The following is an entry in ClinVar:

NM_020066.5(FMN2):c.3291C>T (p.Pro1097=)

Gene: FMN2 (formin 2; plus strand). Cytogenetic location: 1q43.
Variant type: single nucleotide variant.
Coding change: c.3291C>T on transcript NM_020066.5 (MANE Select); coding-DNA position 3291, C replaced by T.
Protein change: p.Pro1097=; no amino-acid change (proline 1097 retained).
Molecular consequence: synonymous variant. On other transcripts: intron variant (1).
Genome position (GRCh38, 1-based): chr1:240,208,103, C>T. VCF-style: chr1-240208103-C-T. GRCh37 (hg19) VCF-style: chr1-240371403-C-T.
Other names: c.3303C>T, p.Pro1101= (NM_001305424.2); c.1986+19841C>T (NM_001348094.2).
Identifiers: ClinVar variation 3040499 (VCV003040499.7), dbSNP rs1254480460, ClinGen allele CA1477073.
Genomic context (GRCh38, chr1:240,208,103, plus strand): 5'-GCCCCCACTTCCCGGAGCGGGCATACCCCCACCTCCCCCTCTACCCGGAGCGGGCATACC[C>T]CCTCCGCCCCCTCTACCCGGAGTGGGCATACCTCCTCCGCCCCCTCTACCCGGAGCGGGC-3'
Protein context (NP_064450.3, residues 1087-1107): PPPPLPGAGI[Pro1097=]PPPPLPGVGI

ClinVar aggregate classification (germline): Likely benign. Review status: criteria provided, multiple submitters, no conflicts (2 of 4 stars). 3 submissions from 3 submitters: Likely benign (2). 1 of the submissions does not count toward it. Last evaluated 2026-03-01.

Conditions:
FMN2-related disorder. Also called: FMN2-related condition.

Allele frequency attached by ClinVar (database versions not stated): ExAC 0.00005.

Submissions (3):

CeGaT Center for Human Genetics Tuebingen
Classification: Likely benign. Last evaluated: 2026-03-01. Review status: criteria provided, single submitter. Criteria: CeGaT Center For Human Genetics Tuebingen Variant Classification Criteria Version 2. Collection method: clinical testing. Allele origin: germline. Affected: yes. Observed: 1 variant allele.
Comment: FMN2: BP4, BP7

Blueprint Genetics
Classification: Likely benign. Last evaluated: 2024-11-01. Review status: criteria provided, single submitter. Criteria: ACMG Guidelines, 2015. Collection method: clinical testing. Allele origin: germline.

PreventionGenetics, part of Exact Sciences
Classification: Likely benign for FMN2-related condition. Last evaluated: 2021-11-30. Review status: no assertion criteria provided. Collection method: clinical testing. Allele origin: germline. Not counted in ClinVar's aggregate classification.
Comment: This variant is classified as likely benign based on ACMG/AMP sequence variant interpretation guidelines (Richards et al. 2015 PMID: 25741868, with internal and published modifications).